The following is an entry in ClinVar:

ClinVar aggregate classification (germline): Uncertain significance (1 of 4 stars; one submission).

Submission:

Labcorp Genetics (formerly Invitae), Labcorp
Classification: Uncertain significance. Last evaluated: 2025-05-15. Review status: criteria provided, single submitter. Criteria: Invitae Variant Classification Sherloc (09022015). Collection method: clinical testing. Allele origin: germline.
Comment: This sequence change replaces threonine, which is neutral and polar, with serine, which is neutral and polar, at codon 466 of the MAP3K7 protein (p.Thr466Ser). This variant is not present in population databases (gnomAD no frequency). This variant has not been reported in the literature in individuals affected with MAP3K7-related conditions. An algorithm developed to predict the effect of missense changes on protein structure and function (PolyPhen-2) suggests that this variant is likely to be tolerated. In summary, the available evidence is currently insufficient to determine the role of this variant in disease. Therefore, it has been classified as a Variant of Uncertain Significance.

NM_145331.3(MAP3K7):c.1397C>G (p.Thr466Ser)

Gene: MAP3K7 (mitogen-activated protein kinase kinase kinase 7; minus strand). Cytogenetic location: 6q15.
Variant type: single nucleotide variant.
Coding change: c.1397C>G on transcript NM_145331.3 (MANE Select); coding-DNA position 1397, C replaced by G.
Protein change: p.Thr466Ser; replaces threonine 466 with serine.
Molecular consequence: missense variant.
Genome position (GRCh38, 1-based): chr6:90,523,743, G>C on the plus strand (C>G on the coding strand, the complement: MAP3K7 is on the minus strand). VCF-style: chr6-90523743-G-C. GRCh37 (hg19) VCF-style: chr6-91233462-G-C.
Other names: c.1316C>G, p.Thr439Ser (NM_003188.4, NM_145333.3); c.1397C>G, p.Thr466Ser (NM_145332.3); short protein forms T439S, T466S.
Identifiers: ClinVar variation 4797413 (VCV004797413.1).
Genomic context (GRCh38, chr6:90,523,743, plus strand): 5'-GAATCATCAGGGGTCCATGGATGACTTCGAGTTGGCTTTTCTGAGGTTGGTCCTGAGGTA[G>C]TAATCATTCTGACACTGGGACTGGATGACCTACTGCTCACCTACAGGAAGAAGTCACAGG-3'
Protein context (NP_663304.1, residues 456-476): RSSSPSVRMI[Thr466Ser]TSGPTSEKPT